The following is an entry in ClinVar:

NM_007194.4(CHEK2):c.847-7T>G

Gene: CHEK2 (checkpoint kinase 2; minus strand). Cytogenetic location: 22q12.1.
Variant type: single nucleotide variant.
Coding change: c.847-7T>G on transcript NM_007194.4 (MANE Select); 7 bases into the intron before coding-DNA position 847, T replaced by G.
Molecular consequence: intron variant.
Genome position (GRCh38, 1-based): chr22:28,703,573, A>C on the plus strand (T>G on the coding strand, the complement: CHEK2 is on the minus strand). VCF-style: chr22-28703573-A-C. GRCh37 (hg19) VCF-style: chr22-29099561-A-C.
Other names: c.184-7T>G (NM_001437942.1, NM_001257387.3); c.646-7T>G (NM_001349956.3); c.847-7T>G (NM_145862.3); c.940-7T>G (NM_001438295.1, NM_001438293.1); c.976-7T>G (NM_001438294.1, NM_001005735.3).
Identifiers: ClinVar variation 377658 (VCV000377658.14), dbSNP rs1057520267, ClinGen allele CA16608609.
Genomic context (GRCh38, chr22:28,703,573, plus strand): 5'-AACAATATAATAATCTTCTGCATCAAAAAAGTTTTTAATCTTGATGATGCAAGGCTAAGA[A>C]GAGGGGGAGAAAAAAGGGAAAGTAGTGAGAAACTCCCAAGAGGAAAACCACAAGAGCTTA-3'

ClinVar aggregate classification (germline): Conflicting classifications of pathogenicity. Review status: criteria provided, conflicting classifications (1 of 4 stars). 4 submissions from 4 submitters: Uncertain significance (1); Likely benign (3). Last evaluated 2025-11-05.

Conditions:
Familial cancer of breast. Also called: BREAST CANCER, FAMILIAL; hereditary breast carcinoma; Hereditary breast cancer. Identifiers: Orphanet 227535, MedGen C0346153, MONDO:0016419, OMIM 114480. Disease mechanism: loss of function.

Allele frequency attached by ClinVar (database versions not stated): gnomAD 0.00001; gnomAD exomes 0.00001.
gnomAD v4.1: 5 of 1,546,690 alleles (0.00032%); highest among the groups gnomAD compares: Non-Finnish European, 0.00044%; no homozygotes.

Submissions (4):

Quest Diagnostics Nichols Institute San Juan Capistrano
Classification: Uncertain significance. Last evaluated: 2025-11-05. Review status: criteria provided, single submitter. Criteria: Quest Diagnostics criteria. Collection method: clinical testing. Allele origin: unknown.
Comment: The CHEK2 c.847-7T>G variant has not been reported in individuals with CHEK2-related conditions in the published literature. The frequency of this variant in the general population (Genome Aggregation Database) is uninformative in the assessment of its pathogenicity. Analysis of this variant using software algorithms for the prediction of the effect of nucleotide changes on CHEK2 mRNA splicing yielded inconclusive findings. Based on the available information, we are unable to determine the clinical significance of this variant.

Center for Genomic Medicine, Rigshospitalet, Copenhagen University Hospital
Classification: Likely benign. Last evaluated: 2025-03-04. Review status: criteria provided, single submitter. Criteria: ACMG Guidelines, 2015. Collection method: clinical testing. Allele origin: germline.

Labcorp Genetics (formerly Invitae), Labcorp
Classification: Likely benign for Familial cancer of breast. Last evaluated: 2024-10-30. Review status: criteria provided, single submitter. Criteria: Invitae Variant Classification Sherloc (09022015). Collection method: clinical testing. Allele origin: germline.

GeneDx
Classification: Likely benign. Last evaluated: 2016-03-02. Review status: criteria provided, single submitter. Criteria: GeneDx Variant Classification (06012015). Collection method: clinical testing. Allele origin: germline. Affected: yes.
Comment: This variant is considered likely benign or benign based on one or more of the following criteria: it is a conservative change, it occurs at a poorly conserved position in the protein, it is predicted to be benign by multiple in silico algorithms, and/or has population frequency not consistent with disease.